The following is an entry in ClinVar:

NM_014363.6(SACS):c.11724C>G (p.Tyr3908Ter)

Gene: SACS (sacsin molecular chaperone; minus strand). Cytogenetic location: 13q12.12.
Variant type: single nucleotide variant.
Coding change: c.11724C>G on transcript NM_014363.6 (MANE Select); coding-DNA position 11724, C replaced by G.
Protein change: p.Tyr3908Ter; replaces tyrosine 3908 with a stop codon.
Molecular consequence: nonsense.
Genome position (GRCh38, 1-based): chr13:23,332,152, G>C on the plus strand (C>G on the coding strand, the complement: SACS is on the minus strand). VCF-style: chr13-23332152-G-C. GRCh37 (hg19) VCF-style: chr13-23906291-G-C.
Other names: c.11283C>G, p.Tyr3761Ter (NM_001278055.2); short protein forms Y3908*, Y3761*.
Identifiers: ClinVar variation 1430343 (VCV001430343.7), dbSNP rs745740932, ClinGen allele CA6910231.

ClinVar aggregate classification (germline): Pathogenic/Likely pathogenic. Review status: criteria provided, multiple submitters, no conflicts (2 of 4 stars). 2 submissions from 2 submitters: Pathogenic (1); Likely pathogenic (1). Last evaluated 2023-08-06.

Conditions:
Spastic paraplegia. Identifiers: MedGen C0037772, HP:0001258.
Charlevoix-Saguenay spastic ataxia (SACS). Also called: AUTOSOMAL RECESSIVE SPASTIC ATAXIA OF CHARLEVOIX-SAGUENAY; SPASTIC ATAXIA 6, AUTOSOMAL RECESSIVE; Spastic ataxia of Charlevoix-Saguenay. Identifiers: Orphanet 98, MedGen C1849140, MONDO:0010041, OMIM 270550.

Allele frequency attached by ClinVar (database versions not stated): gnomAD exomes below 0.00001; ExAC 0.00001.

Submissions (2):

Baylor Genetics
Classification: Likely pathogenic for Charlevoix-Saguenay spastic ataxia. Last evaluated: 2023-08-06. Review status: criteria provided, single submitter. Criteria: ACMG Guidelines, 2015. Collection method: clinical testing. Allele origin: unknown.

Labcorp Genetics (formerly Invitae), Labcorp
Classification: Pathogenic for Spastic paraplegia. Last evaluated: 2023-03-12. Review status: criteria provided, single submitter. Criteria: Invitae Variant Classification Sherloc (09022015). Collection method: clinical testing. Allele origin: germline.
Comment: For these reasons, this variant has been classified as Pathogenic. This variant disrupts a region of the SACS protein in which other variant(s) (p.Tyr4538*) have been determined to be pathogenic (PMID: 15156359, 21507954; Invitae). This suggests that this is a clinically significant region of the protein, and that variants that disrupt it are likely to be disease-causing. ClinVar contains an entry for this variant (Variation ID: 1430343). This variant has not been reported in the literature in individuals affected with SACS-related conditions. This variant is present in population databases (rs745740932, gnomAD 0.006%). This sequence change creates a premature translational stop signal (p.Tyr3908*) in the SACS gene. While this is not anticipated to result in nonsense mediated decay, it is expected to disrupt the last 672 amino acid(s) of the SACS protein.

Literature cited by the submitters: PubMed 15156359 (cited by Labcorp Genetics (formerly Invitae), Labcorp); PubMed 21507954 (cited by Labcorp Genetics (formerly Invitae), Labcorp).